The following is an entry in ClinVar:

ClinVar aggregate classification (germline): Likely pathogenic (1 of 4 stars; one submission).

Conditions:
Cardiovascular phenotype. Identifiers: MedGen CN230736.

Submission:

Ambry Genetics
Classification: Likely pathogenic for Cardiovascular phenotype. Last evaluated: 2025-06-16. Review status: criteria provided, single submitter. Criteria: Ambry Variant Classification Scheme 2023. Collection method: clinical testing. Allele origin: germline.
Comment: The c.56083_56084insALU likely pathogenic variant results from the insertion of an Alu element between nucleotides 56083 and 56084 in coding exon 153 of the TTN gene. This exon is located in the A-band region of the N2-B isoform of the titin protein and is constitutively expressed in TTN transcripts (percent spliced in or PSI 100%). Mobile element insertions contribute to pathogenicity by either disrupting the coding sequence or inducing aberrant splicing (Belancio VP et al. Semin. Cancer Biol. 2010 Aug;20:200-10; Deininger P et al. Genome Biol. 2011 Dec;12:236; van der Klift HM Hum Mutat. 2012 Jul;33(7):1051-5). This variant is expected to result in loss of function by premature protein truncation or nonsense-mediated mRNA decay. While truncating variants in TTN are present in 1-3% of the general population, truncating variants in the A-band are the most common cause of dilated cardiomyopathy (Herman DS et al. N. Engl. J. Med., 2012 Feb;366:619-28; Roberts AM et al. Sci Transl Med, 2015 Jan;7:270ra6). TTN truncating variants encoded in constitutive exons (PSI >90%) have been found to be significantly associated with DCM regardless of their position in titin (Schafer S et al. Nat. Genet., 2017 01;49:46-53; Akhtar MM et al. Circ Heart Fail, 2020 Oct;13:e006832; Massier M et al. Clin Genet, 2025 Jan). Based on the majority of available evidence to date, this variant is likely to be pathogenic.

NM_003319.4:c.56083_56084insALU

Gene: TTN (titin; minus strand).
Variant type: Insertion.
Other names: c.56083_56084insALU (NM_003319.4).
Identifiers: ClinVar variation 4193696 (VCV004193696.1).